The following is an entry in ClinVar:

ClinVar aggregate classification (germline): Uncertain significance (1 of 4 stars; one submission).

gnomAD v4.1: 1 of 1,612,350 alleles (0.000062%); no homozygotes.

Submission:

GeneDx
Classification: Uncertain significance. Last evaluated: 2022-03-22. Review status: criteria provided, single submitter. Criteria: GeneDx Variant Classification Process June 2021. Collection method: clinical testing. Allele origin: germline. Affected: yes.
Comment: Not observed at significant frequency in large population cohorts (gnomAD); In silico analysis supports that this missense variant does not alter protein structure/function; Has not been previously published as pathogenic or benign to our knowledge

NM_022124.6(CDH23):c.4025A>G (p.Asn1342Ser)

Genes: C10orf105 (chromosome 10 open reading frame 105; minus strand), CDH23 (cadherin related 23; plus strand). Cytogenetic location: 10q22.1.
Variant type: single nucleotide variant.
Coding change: c.4025A>G on transcript NM_022124.6 (MANE Select); coding-DNA position 4025, A replaced by G.
Protein change: p.Asn1342Ser; replaces asparagine 1342 with serine.
Molecular consequence: missense variant. On other transcripts: intron variant (1).
Genome position (GRCh38, 1-based): chr10:71,732,296, A>G. VCF-style: chr10-71732296-A-G. GRCh37 (hg19) VCF-style: chr10-73492053-A-G.
Other names: c.4025A>G, p.Asn1342Ser (NM_001171930.2); c.-6+5432T>C (NM_001168390.2); short protein forms N1342S.
Identifiers: ClinVar variation 1707039 (VCV001707039.2), dbSNP rs1207348582, ClinGen allele CA377156753.